The following is an entry in ClinVar:

ClinVar aggregate classification (germline): Uncertain significance (1 of 4 stars; one submission).

Conditions:
Hyperphosphatasia with impaired intellectual development syndrome 2. Also called: GLYCOSYLPHOSPHATIDYLINOSITOL BIOSYNTHESIS DEFECT 6; Hyperphosphatasia with intellectual disability syndrome 2. Identifiers: Orphanet 247262, MedGen C3553637, MONDO:0013882, OMIM 614749.

Allele frequency attached by ClinVar (database versions not stated): gnomAD exomes 0.00001.

Submission:

Labcorp Genetics (formerly Invitae), Labcorp
Classification: Uncertain significance for Hyperphosphatasia with impaired intellectual development syndrome 2. Last evaluated: 2022-05-12. Review status: criteria provided, single submitter. Criteria: Invitae Variant Classification Sherloc (09022015). Collection method: clinical testing. Allele origin: germline.
Comment: This sequence change replaces leucine, which is neutral and non-polar, with glutamine, which is neutral and polar, at codon 300 of the PIGO protein (p.Leu300Gln). This variant is not present in population databases (gnomAD no frequency). This variant has not been reported in the literature in individuals affected with PIGO-related conditions. Algorithms developed to predict the effect of missense changes on protein structure and function are either unavailable or do not agree on the potential impact of this missense change (SIFT: "Deleterious"; PolyPhen-2: "Probably Damaging"; Align-GVGD: "Class C0"). In summary, the available evidence is currently insufficient to determine the role of this variant in disease. Therefore, it has been classified as a Variant of Uncertain Significance.

NM_032634.4(PIGO):c.899T>A (p.Leu300Gln)

Gene: PIGO (phosphatidylinositol glycan anchor biosynthesis class O; minus strand). Cytogenetic location: 9p13.3.
Variant type: single nucleotide variant.
Coding change: c.899T>A on transcript NM_032634.4 (MANE Select); coding-DNA position 899, T replaced by A.
Protein change: p.Leu300Gln; replaces leucine 300 with glutamine.
Molecular consequence: missense variant.
Genome position (GRCh38, 1-based): chr9:35,093,461, A>T on the plus strand (T>A on the coding strand, the complement: PIGO is on the minus strand). VCF-style: chr9-35093461-A-T. GRCh37 (hg19) VCF-style: chr9-35093458-A-T.
Other names: c.899T>A, p.Leu300Gln (NM_001201484.2, NM_152850.4); short protein forms L300Q.
Identifiers: ClinVar variation 1993765 (VCV001993765.4), dbSNP rs2490463708, ClinGen allele CA373323250.
Genomic context (GRCh38, chr9:35,093,461, plus strand): 5'-AGGAACATCCCAGGCCTCACCTCTGGTGGGGTGCTGGGGAAGACTGCTGTGGGGCTATAC[A>T]GAAAGAGAGCAGCTGAGACCTCCAGCTCACTGTCCCCTCCATGGTCTCCATTTGTGGTCA-3'
Protein context (NP_116023.2, residues 290-310): SELEVSAALF[Leu300Gln]YSPTAVFPST